The following is an entry in ClinVar:

NM_001846.4(COL4A2):c.3809T>C (p.Ile1270Thr)

Gene: COL4A2 (collagen type IV alpha 2 chain; plus strand). Cytogenetic location: 13q34.
Variant type: single nucleotide variant.
Coding change: c.3809T>C on transcript NM_001846.4 (MANE Select); coding-DNA position 3809, T replaced by C.
Protein change: p.Ile1270Thr; replaces isoleucine 1270 with threonine.
Molecular consequence: missense variant.
Genome position (GRCh38, 1-based): chr13:110,501,716, T>C. VCF-style: chr13-110501716-T-C. GRCh37 (hg19) VCF-style: chr13-111154063-T-C.
Other names: short protein forms I1270T.
Identifiers: ClinVar variation 3359667 (VCV003359667.2).

ClinVar aggregate classification (germline): Uncertain significance (1 of 4 stars; one submission).

Submission:

GeneDx
Classification: Uncertain significance. Last evaluated: 2025-06-16. Review status: criteria provided, single submitter. Criteria: GeneDx Variant Classification Process June 2021. Collection method: clinical testing. Allele origin: germline.
Comment: Not observed at significant frequency in large population cohorts (gnomAD); In silico analysis suggests that this missense variant does not alter protein structure/function; Occurs in the triple helical domain at the X position in the canonical Gly-X-Y repeat; although this variant may have an effect on normal protein folding and function, missense substitution at the X position is not a common mechanism of disease; Has not been previously published as pathogenic or benign to our knowledge